The following is an entry in ClinVar:

ClinVar aggregate classification (germline): Uncertain significance. Review status: criteria provided, multiple submitters, no conflicts (2 of 4 stars). 2 submissions from 2 submitters: Uncertain significance (2). Last evaluated 2025-02-23.

Conditions:
CAD-related disorder. Also called: CAD-related condition.

Allele frequency attached by ClinVar (database versions not stated): ExAC 0.00002; gnomAD 0.00006; TOPMed 0.00012.
gnomAD v4.1: 23 of 1,613,932 alleles (0.0014%); highest among the groups gnomAD compares: African/African-American, 0.021%; no homozygotes.

Submissions (2):

PreventionGenetics, part of Exact Sciences
Classification: Uncertain significance for CAD-related condition. Last evaluated: 2025-02-23. Review status: criteria provided, single submitter. Criteria: ACMG Guidelines, 2015. Collection method: clinical testing. Allele origin: germline.
Comment: The CAD c.5570G>A variant is predicted to result in the amino acid substitution p.Arg1857Gln. This variant was reported in the compound heterozygous state in an individual with a phenotype consistent with CAD deficiency (Del Caño-Ochoa et al. 2020. PubMed ID: 32461667, Patient #Baylor-006 in Table 1). However, functional studies suggested that this variant does not impact normal protein function and was considered a benign variant (Del Caño-Ochoa et al. 2020. PubMed ID: 32461667, Table 1 and Figure 3). This variant is reported in 0.028% of alleles in individuals of African descent in gnomAD. At this time, the clinical significance of this variant is uncertain due to the absence of conclusive functional and genetic evidence.

Labcorp Genetics (formerly Invitae), Labcorp
Classification: Uncertain significance. Last evaluated: 2022-06-15. Review status: criteria provided, single submitter. Criteria: Invitae Variant Classification Sherloc (09022015). Collection method: clinical testing. Allele origin: germline.
Comment: This sequence change replaces arginine, which is basic and polar, with glutamine, which is neutral and polar, at codon 1857 of the CAD protein (p.Arg1857Gln). This variant is present in population databases (rs756916387, gnomAD 0.03%). This variant has not been reported in the literature in individuals affected with CAD-related conditions. Algorithms developed to predict the effect of missense changes on protein structure and function (SIFT, PolyPhen-2, Align-GVGD) all suggest that this variant is likely to be tolerated. In summary, the available evidence is currently insufficient to determine the role of this variant in disease. Therefore, it has been classified as a Variant of Uncertain Significance.

NM_004341.5(CAD):c.5570G>A (p.Arg1857Gln)

Gene: CAD (carbamoyl-phosphate synthetase 2, aspartate transcarbamylase, and dihydroorotase; plus strand). Cytogenetic location: 2p23.3.
Variant type: single nucleotide variant.
Coding change: c.5570G>A on transcript NM_004341.5 (MANE Select); coding-DNA position 5570, G replaced by A.
Protein change: p.Arg1857Gln; replaces arginine 1857 with glutamine.
Molecular consequence: missense variant.
Genome position (GRCh38, 1-based): chr2:27,240,338, G>A. VCF-style: chr2-27240338-G-A. GRCh37 (hg19) VCF-style: chr2-27463206-G-A.
Other names: c.5570G>A (NM_004341.4); c.5381G>A, p.Arg1794Gln (NM_001306079.2); short protein forms R1857Q, R1794Q.
Identifiers: ClinVar variation 1987460 (VCV001987460.2), dbSNP rs756916387, ClinGen allele CA1573924.